The following is an entry in ClinVar:

NM_020163.3(SEMA3G):c.500G>C (p.Arg167Pro)

Gene: SEMA3G (semaphorin 3G; minus strand). Cytogenetic location: 3p21.1.
Variant type: single nucleotide variant.
Coding change: c.500G>C on transcript NM_020163.3 (MANE Select); coding-DNA position 500, G replaced by C.
Protein change: p.Arg167Pro; replaces arginine 167 with proline.
Molecular consequence: missense variant.
Genome position (GRCh38, 1-based): chr3:52,441,869, C>G on the plus strand (G>C on the coding strand, the complement: SEMA3G is on the minus strand). VCF-style: chr3-52441869-C-G. GRCh37 (hg19) VCF-style: chr3-52475885-C-G.
Other names: short protein forms R167P.
Identifiers: ClinVar variation 3354696 (VCV003354696.1).

ClinVar aggregate classification (germline): Uncertain significance (0 of 4 stars; one submission).

Conditions:
SEMA3G-related disorder. Also called: SEMA3G-related condition.

gnomAD v4.1: 45 of 1,590,410 alleles (0.0028%); highest among the groups gnomAD compares: Middle Eastern, 0.017%; no homozygotes.

Submission:

PreventionGenetics, part of Exact Sciences
Classification: Uncertain significance for SEMA3G-related condition. Last evaluated: 2024-07-22. Review status: no assertion criteria provided. Collection method: clinical testing. Allele origin: germline.
Comment: The SEMA3G c.500G>C variant is predicted to result in the amino acid substitution p.Arg167Pro. To our knowledge, this variant has not been reported in the literature. This variant is reported in 0.0022% of alleles in individuals of European (Non-Finnish) descent in gnomAD. At this time, the clinical significance of this variant is uncertain due to the absence of conclusive functional and genetic evidence.